The following is an entry in ClinVar:

ClinVar aggregate classification (germline): Pathogenic (1 of 4 stars; one submission).

Submission:

Labcorp Genetics (formerly Invitae), Labcorp
Classification: Pathogenic. Last evaluated: 2023-11-11. Review status: criteria provided, single submitter. Criteria: Invitae Variant Classification Sherloc (09022015). Collection method: clinical testing. Allele origin: germline.
Comment: This sequence change creates a premature translational stop signal (p.Gly732*) in the USH2A gene. It is expected to result in an absent or disrupted protein product. Loss-of-function variants in USH2A are known to be pathogenic (PMID: 10729113, 10909849, 20507924, 25649381). This variant is not present in population databases (gnomAD no frequency). This variant has not been reported in the literature in individuals affected with USH2A-related conditions. Algorithms developed to predict the effect of sequence changes on RNA splicing suggest that this variant may disrupt the consensus splice site. For these reasons, this variant has been classified as Pathogenic.

Literature cited by the submitters: PubMed 10729113; PubMed 10909849; PubMed 20507924; PubMed 25649381.

NM_206933.4(USH2A):c.2194G>T (p.Gly732Ter)

Gene: USH2A (usherin; minus strand). Cytogenetic location: 1q41.
Variant type: single nucleotide variant.
Coding change: c.2194G>T on transcript NM_206933.4 (MANE Select); coding-DNA position 2194, G replaced by T.
Protein change: p.Gly732Ter; replaces glycine 732 with a stop codon.
Molecular consequence: nonsense.
Genome position (GRCh38, 1-based): chr1:216,247,200, C>A on the plus strand (G>T on the coding strand, the complement: USH2A is on the minus strand). VCF-style: chr1-216247200-C-A. GRCh37 (hg19) VCF-style: chr1-216420542-C-A.
Other names: c.2194G>T, p.Gly732Ter (NM_007123.6); short protein forms G732*.
Identifiers: ClinVar variation 2854099 (VCV002854099.3), dbSNP rs2036069585, ClinGen allele CA344865655.